The following is an entry in ClinVar:

ClinVar aggregate classification (germline): Uncertain significance (1 of 4 stars; one submission).

gnomAD v4.1: 18 of 1,613,768 alleles (0.0011%); highest among the groups gnomAD compares: Non-Finnish European, 0.0014%; no homozygotes.

Submission:

Mayo Clinic Laboratories, Mayo Clinic
Classification: Uncertain significance. Last evaluated: 2024-04-11. Review status: criteria provided, single submitter. Criteria: ACMG Guidelines, 2015. Collection method: clinical testing. Allele origin: germline. Observed: 1 variant allele.
Comment: PM2_moderate

NM_000289.6(PFKM):c.1105G>A (p.Glu369Lys)

Gene: PFKM (phosphofructokinase, muscle; plus strand). Cytogenetic location: 12q13.11.
Variant type: single nucleotide variant.
Coding change: c.1105G>A on transcript NM_000289.6 (MANE Select); coding-DNA position 1105, G replaced by A.
Protein change: p.Glu369Lys; replaces glutamic acid 369 with lysine.
Molecular consequence: missense variant. On other transcripts: non-coding transcript variant (6).
Genome position (GRCh38, 1-based): chr12:48,139,327, G>A. VCF-style: chr12-48139327-G-A. GRCh37 (hg19) VCF-style: chr12-48533110-G-A.
Other names: p.Glu369Lys; c.1318G>A, p.Glu440Lys (NM_001166686.2, NM_001354737.1, NM_001354738.1 and 1 more transcripts); c.1105G>A, p.Glu369Lys (NM_001166687.2, NM_001166688.2, NM_001354742.2 and 2 more transcripts); c.1414G>A, p.Glu472Lys (NM_001354735.1, NM_001354736.1); c.1249G>A, p.Glu417Lys (NM_001354740.1); c.1129G>A, p.Glu377Lys (NM_001354741.2); c.1018G>A, p.Glu340Lys (NM_001354745.2); c.979G>A, p.Glu327Lys (NM_001354746.2); and 2 more; short protein forms E319K, E327K, E338K, E340K, E369K, E377K, E417K, E440K.
Identifiers: ClinVar variation 3380103 (VCV003380103.1).
Genomic context (GRCh38, chr12:48,139,327, plus strand): 5'-GCTGTGCTCCCCCCTCAGACCAAAGATGTGACCAAGGCCATGGATGAGAAGAAATTTGAC[G>A]AAGCCCTGAAGCTGAGAGGCCGGTGAGGAGATGACGGGAAGCTCACTAGCTACAGAAATC-3'
Protein context (NP_000280.1, residues 359-379): TKAMDEKKFD[Glu369Lys]ALKLRGRSFM